The following is an entry in ClinVar:

ClinVar aggregate classification (germline): Benign/Likely benign. Review status: criteria provided, multiple submitters, no conflicts (2 of 4 stars). 4 submissions from 4 submitters: Benign (3); Likely benign (1). Last evaluated 2026-02-04.

Allele frequency attached by ClinVar (database versions not stated): 1000 Genomes Project 30x 0.57979; 1000 Genomes Project 0.58327; TOPMed 0.62002; ESP Exome Variant Server 0.62102; gnomAD 0.62451; ExAC 0.63000; gnomAD exomes 0.66440.
gnomAD v4.1: 1,050,457 of 1,591,570 alleles (66%); highest among the groups gnomAD compares: Non-Finnish European, 68%; 342,643 homozygotes.

Submissions (4):

Labcorp Genetics (formerly Invitae), Labcorp
Classification: Benign. Last evaluated: 2026-02-04. Review status: criteria provided, single submitter. Criteria: Invitae Variant Classification Sherloc (09022015). Collection method: clinical testing. Allele origin: germline.

Blueprint Genetics
Classification: Likely benign. Last evaluated: 2024-11-26. Review status: criteria provided, single submitter. Criteria: ACMG Guidelines, 2015. Collection method: clinical testing. Allele origin: germline.

Unidad de Genómica Garrahan, Hospital de Pediatría Garrahan
Classification: Benign. Last evaluated: 2024-01-24. Review status: criteria provided, single submitter. Criteria: ACMG Guidelines, 2015. Collection method: clinical testing. Allele origin: germline. Affected: no. Observed: 85 variant alleles.
Comment: This variant is classified as Benign based on local population frequency. This variant was detected in 89% of patients studied by a panel of primary immunodeficiencies. Number of patients: 85. Only high quality variants are reported.

Mayo Clinic Laboratories, Mayo Clinic
Classification: Benign. Last evaluated: 2022-09-06. Review status: criteria provided, single submitter. Criteria: ACMG Guidelines, 2015. Collection method: clinical testing. Allele origin: germline. Observed: 4 variant alleles.

NM_016216.4(DBR1):c.1623C>T (p.Asp541=)

Gene: DBR1 (debranching RNA lariats 1; minus strand). Cytogenetic location: 3q22.3.
Variant type: single nucleotide variant.
Coding change: c.1623C>T on transcript NM_016216.4 (MANE Select); coding-DNA position 1623, C replaced by T.
Protein change: p.Asp541=; no amino-acid change (aspartic acid 541 retained).
Molecular consequence: synonymous variant.
Genome position (GRCh38, 1-based): chr3:138,161,901, G>A on the plus strand (C>T on the coding strand, the complement: DBR1 is on the minus strand). VCF-style: chr3-138161901-G-A. GRCh37 (hg19) VCF-style: chr3-137880743-G-A.
Other names: p.Asp541=.
Identifiers: ClinVar variation 2115209 (VCV002115209.8), dbSNP rs2622736, ClinGen allele CA2635639.